The following is an entry in ClinVar:

NM_004086.3(COCH):c.433A>G (p.Thr145Ala)

Genes: COCH (cochlin; plus strand), COCH-AS1 (COCH antisense RNA 1; minus strand). Cytogenetic location: 14q12.
Variant type: single nucleotide variant.
Coding change: c.433A>G on transcript NM_004086.3 (MANE Select); coding-DNA position 433, A replaced by G.
Protein change: p.Thr145Ala; replaces threonine 145 with alanine.
Molecular consequence: missense variant.
Genome position (GRCh38, 1-based): chr14:30,879,482, A>G. VCF-style: chr14-30879482-A-G. GRCh37 (hg19) VCF-style: chr14-31348688-A-G.
Other names: c.433A>G, p.Thr145Ala (NM_001135058.2); c.628A>G, p.Thr210Ala (NM_001347720.2); short protein forms T145A, T210A.
Identifiers: ClinVar variation 2026649 (VCV002026649.4), dbSNP rs1895492110, ClinGen allele CA389344913.

ClinVar aggregate classification (germline): Uncertain significance (1 of 4 stars; one submission).

Allele frequency attached by ClinVar (database versions not stated): gnomAD exomes below 0.00001; gnomAD 0.00001.
gnomAD v4.1: 2 of 1,613,960 alleles (0.00012%); highest among the groups gnomAD compares: African/African-American, 0.0027%; no homozygotes.

Submission:

Labcorp Genetics (formerly Invitae), Labcorp
Classification: Uncertain significance. Last evaluated: 2022-09-13. Review status: criteria provided, single submitter. Criteria: Invitae Variant Classification Sherloc (09022015). Collection method: clinical testing. Allele origin: germline.
Comment: In summary, the available evidence is currently insufficient to determine the role of this variant in disease. Therefore, it has been classified as a Variant of Uncertain Significance. Algorithms developed to predict the effect of missense changes on protein structure and function output the following: SIFT: "Tolerated"; PolyPhen-2: "Benign"; Align-GVGD: "Class C0". The alanine amino acid residue is found in multiple mammalian species, which suggests that this missense change does not adversely affect protein function. This variant has not been reported in the literature in individuals affected with COCH-related conditions. This variant is not present in population databases (gnomAD no frequency). This sequence change replaces threonine, which is neutral and polar, with alanine, which is neutral and non-polar, at codon 145 of the COCH protein (p.Thr145Ala).